The following is an entry in ClinVar:

NM_001378120.1(MBD5):c.1718C>T (p.Ser573Phe)

Gene: MBD5 (methyl-CpG binding domain protein 5; plus strand). Cytogenetic location: 2q23.1.
Variant type: single nucleotide variant.
Coding change: c.1718C>T on transcript NM_001378120.1 (MANE Select); coding-DNA position 1718, C replaced by T.
Protein change: p.Ser573Phe; replaces serine 573 with phenylalanine.
Molecular consequence: missense variant.
Genome position (GRCh38, 1-based): chr2:148,469,661, C>T. VCF-style: chr2-148469661-C-T. GRCh37 (hg19) VCF-style: chr2-149227230-C-T.
Other names: c.1718C>T, p.Ser573Phe (NM_018328.5); short protein forms S573F.
Identifiers: ClinVar variation 1477091 (VCV001477091.6), dbSNP rs540723139, ClinGen allele CA1900050.

ClinVar aggregate classification (germline): Uncertain significance (1 of 4 stars; one submission).

Conditions:
Intellectual developmental disorder, autosomal dominant 1. Also called: Intellectual disability, autosomal dominant 1; MBD5 Haploinsufficiency. Identifiers: Orphanet 228402, MedGen C1969562, MONDO:0007974, OMIM 156200.

gnomAD v4.1: 26 of 1,613,964 alleles (0.0016%); highest among the groups gnomAD compares: East Asian, 0.0045%; no homozygotes.

Submission:

Labcorp Genetics (formerly Invitae), Labcorp
Classification: Uncertain significance for Intellectual developmental disorder, autosomal dominant 1. Last evaluated: 2022-01-28. Review status: criteria provided, single submitter. Criteria: Invitae Variant Classification Sherloc (09022015). Collection method: clinical testing. Allele origin: germline.
Comment: This sequence change replaces serine, which is neutral and polar, with phenylalanine, which is neutral and non-polar, at codon 573 of the MBD5 protein (p.Ser573Phe). This variant is present in population databases (rs540723139, gnomAD 0.0009%). This variant has not been reported in the literature in individuals affected with MBD5-related conditions. Algorithms developed to predict the effect of missense changes on protein structure and function (SIFT, PolyPhen-2, Align-GVGD) all suggest that this variant is likely to be disruptive. In summary, the available evidence is currently insufficient to determine the role of this variant in disease. Therefore, it has been classified as a Variant of Uncertain Significance.